The following is an entry in ClinVar:

NM_001384732.1(CPLANE1):c.9371C>T (p.Ala3124Val)

Gene: CPLANE1 (ciliogenesis and planar polarity effector complex subunit 1; minus strand). Cytogenetic location: 5p13.2.
Variant type: single nucleotide variant.
Coding change: c.9371C>T on transcript NM_001384732.1 (MANE Select); coding-DNA position 9371, C replaced by T.
Protein change: p.Ala3124Val; replaces alanine 3124 with valine.
Molecular consequence: missense variant.
Genome position (GRCh38, 1-based): chr5:37,114,989, G>A on the plus strand (C>T on the coding strand, the complement: CPLANE1 is on the minus strand). VCF-style: chr5-37114989-G-A. GRCh37 (hg19) VCF-style: chr5-37115091-G-A.
Other names: c.9209C>T, p.Ala3070Val (NM_023073.4); short protein forms A3124V, A3070V.
Identifiers: ClinVar variation 1370243 (VCV001370243.8), dbSNP rs372396805, ClinGen allele CA3237490.
Genomic context (GRCh38, chr5:37,114,989, plus strand): 5'-GTCTAAAAACTTTATCTTCTTTATCCCTTACCTTTTTGGAAGGTAACTGGAGACTGCGTA[G>A]CCTTTCTTACTGCTGCTTTGGCTCCACCAGCTTTTTTCTGTATGGTGAAAGTGGCAGTTC-3'
Protein context (NP_001371661.1, residues 3114-3134): AGGAKAAVRK[Ala3124Val]TQSPVTFQKG

ClinVar aggregate classification (germline): Uncertain significance. Review status: criteria provided, multiple submitters, no conflicts (2 of 4 stars). 2 submissions from 2 submitters: Uncertain significance (2). Last evaluated 2025-06-12.

Conditions:
Orofaciodigital syndrome type 6 (OFD6). Also called: OROFACIODIGITAL SYNDROME VI; OFDS VI; POLYDACTYLY, CLEFT LIP/PALATE OR LINGUAL LUMP, AND PSYCHOMOTOR RETARDATION; VARADI SYNDROME; VARADI-PAPP SYNDROME; Oral-facial-digital syndrome type 6. Identifiers: Orphanet 2754, MedGen C2745997, MONDO:0010176, OMIM 277170.
Joubert syndrome 17 (JBTS17). Identifiers: Orphanet 475, MedGen C3553264, MONDO:0013824, OMIM 614615.

Allele frequency attached by ClinVar (database versions not stated): gnomAD exomes below 0.00001; ExAC 0.00001; TOPMed 0.00005; gnomAD 0.00006 and 0.00007; ESP Exome Variant Server 0.00008.
gnomAD v4.1: 12 of 1,610,966 alleles (0.00074%); highest among the groups gnomAD compares: African/African-American, 0.016%; no homozygotes.

Submissions (2):

Labcorp Genetics (formerly Invitae), Labcorp
Classification: Uncertain significance. Last evaluated: 2025-06-12. Review status: criteria provided, single submitter. Criteria: Invitae Variant Classification Sherloc (09022015). Collection method: clinical testing. Allele origin: germline.
Comment: This sequence change replaces alanine, which is neutral and non-polar, with valine, which is neutral and non-polar, at codon 3070 of the CPLANE1 protein (p.Ala3070Val). This variant is present in population databases (rs372396805, gnomAD 0.008%). This variant has not been reported in the literature in individuals affected with CPLANE1-related conditions. ClinVar contains an entry for this variant (Variation ID: 1370243). Invitae Evidence Modeling of protein sequence and biophysical properties (such as structural, functional, and spatial information, amino acid conservation, physicochemical variation, residue mobility, and thermodynamic stability) indicates that this missense variant is not expected to disrupt CPLANE1 protein function with a negative predictive value of 95%. In summary, the available evidence is currently insufficient to determine the role of this variant in disease. Therefore, it has been classified as a Variant of Uncertain Significance.

Fulgent Genetics
Classification: Uncertain significance for Orofaciodigital syndrome type 6; Joubert syndrome 17. Last evaluated: 2024-06-18. Review status: criteria provided, single submitter. Criteria: ACMG Guidelines, 2015. Collection method: clinical testing. Allele origin: germline.